The following is an entry in ClinVar:

ClinVar aggregate classification (germline): Uncertain significance (1 of 4 stars; one submission).

Conditions:
EGFR-related lung cancer (EGFR). Identifiers: MedGen CN130014.

Submission:

Labcorp Genetics (formerly Invitae), Labcorp
Classification: Uncertain significance for EGFR-related lung cancer. Last evaluated: 2024-06-13. Review status: criteria provided, single submitter. Criteria: Invitae Variant Classification Sherloc (09022015). Collection method: clinical testing. Allele origin: germline.
Comment: This sequence change replaces arginine, which is basic and polar, with glycine, which is neutral and non-polar, at codon 675 of the EGFR protein (p.Arg675Gly). This variant is not present in population databases (gnomAD no frequency). This variant has not been reported in the literature in individuals affected with EGFR-related conditions. ClinVar contains an entry for this variant (Variation ID: 966868). Advanced modeling of protein sequence and biophysical properties (such as structural, functional, and spatial information, amino acid conservation, physicochemical variation, residue mobility, and thermodynamic stability) performed at Invitae indicates that this missense variant is not expected to disrupt EGFR protein function with a negative predictive value of 80%. In summary, the available evidence is currently insufficient to determine the role of this variant in disease. Therefore, it has been classified as a Variant of Uncertain Significance.

NM_005228.5(EGFR):c.2023C>G (p.Arg675Gly)

Gene: EGFR (epidermal growth factor receptor; plus strand). Cytogenetic location: 7p11.2.
Variant type: single nucleotide variant.
Coding change: c.2023C>G on transcript NM_005228.5 (MANE Select); coding-DNA position 2023, C replaced by G.
Protein change: p.Arg675Gly; replaces arginine 675 with glycine.
Molecular consequence: missense variant.
Genome position (GRCh38, 1-based): chr7:55,173,086, C>G. VCF-style: chr7-55173086-C-G. GRCh37 (hg19) VCF-style: chr7-55240779-C-G.
Other names: c.1888C>G, p.Arg630Gly (NM_001346897.2, NM_001346899.2); c.2023C>G, p.Arg675Gly (NM_001346898.2); c.1864C>G, p.Arg622Gly (NM_001346900.2); c.1222C>G, p.Arg408Gly (NM_001346941.2); short protein forms R622G, R630G, R675G, R408G.
Identifiers: ClinVar variation 966868 (VCV000966868.9), dbSNP rs1786429872, ClinGen allele CA367583175.
Genomic context (GRCh38, chr7:55,173,086, plus strand): 5'-CTCTTGCTGCTGGTGGTGGCCCTGGGGATCGGCCTCTTCATGCGAAGGCGCCACATCGTT[C>G]GGAAGCGCACGCTGCGGAGGCTGCTGCAGGAGAGGGAGGTGAGTGCCAGTCCTGGGTGGG-3'
Protein context (NP_005219.2, residues 665-685): GLFMRRRHIV[Arg675Gly]KRTLRRLLQE